The following is an entry in ClinVar:

ClinVar aggregate classification (germline): Uncertain significance. Review status: criteria provided, multiple submitters, no conflicts (2 of 4 stars). 2 submissions from 2 submitters: Uncertain significance (2). Last evaluated 2024-12-28.

Allele frequency attached by ClinVar (database versions not stated): gnomAD 0.00002; TOPMed 0.00002.
gnomAD v4.1: 48 of 1,613,820 alleles (0.003%); highest among the groups gnomAD compares: Non-Finnish European, 0.0038%; no homozygotes.

Submissions (2):

Ambry Genetics
Classification: Uncertain significance. Last evaluated: 2024-12-28. Review status: criteria provided, single submitter. Criteria: Ambry Variant Classification Scheme 2023. Collection method: clinical testing. Allele origin: germline.
Comment: The p.D782N variant (also known as c.2344G>A), located in coding exon 13 of the ATRIP gene, results from a G to A substitution at nucleotide position 2344. The aspartic acid at codon 782 is replaced by asparagine, an amino acid with highly similar properties. This amino acid position is conserved. In addition, this alteration is predicted to be tolerated by in silico analysis. Based on the available evidence, the clinical significance of this variant remains unclear.

Labcorp Genetics (formerly Invitae), Labcorp
Classification: Uncertain significance. Last evaluated: 2022-10-12. Review status: criteria provided, single submitter. Criteria: Invitae Variant Classification Sherloc (09022015). Collection method: clinical testing. Allele origin: germline.
Comment: In summary, the available evidence is currently insufficient to determine the role of this variant in disease. Therefore, it has been classified as a Variant of Uncertain Significance. Algorithms developed to predict the effect of missense changes on protein structure and function are either unavailable or do not agree on the potential impact of this missense change (SIFT: "Deleterious"; PolyPhen-2: "Possibly Damaging"; Align-GVGD: "Class C0"). This variant has not been reported in the literature in individuals affected with ATRIP-related conditions. This variant is present in population databases (rs761933313, gnomAD 0.006%). This sequence change replaces aspartic acid, which is acidic and polar, with asparagine, which is neutral and polar, at codon 782 of the ATRIP protein (p.Asp782Asn).

NM_130384.3(ATRIP):c.2344G>A (p.Asp782Asn)

Genes: ATRIP (ATR interacting protein; plus strand), ATRIP-TREX1 (ATRIP-TREX1 readthrough; plus strand), LOC129936704 (ATAC-STARR-seq lymphoblastoid active region 19829; plus strand). Cytogenetic location: 3p21.31.
Variant type: single nucleotide variant.
Coding change: c.2344G>A on transcript NM_130384.3 (MANE Select); coding-DNA position 2344, G replaced by A.
Protein change: p.Asp782Asn; replaces aspartic acid 782 with asparagine.
Molecular consequence: missense variant. On other transcripts: non-coding transcript variant (1).
Genome position (GRCh38, 1-based): chr3:48,465,522, G>A. VCF-style: chr3-48465522-G-A. GRCh37 (hg19) VCF-style: chr3-48506921-G-A.
Other names: c.-814G>A (NM_033629.4); c.1963G>A, p.Asp655Asn (NM_001271022.2); c.2065G>A, p.Asp689Asn (NM_001271023.2); c.2263G>A, p.Asp755Asn (NM_032166.4); short protein forms D655N, D689N, D755N, D782N.
Identifiers: ClinVar variation 2427855 (VCV002427855.44), dbSNP rs761933313, ClinGen allele CA2376473.